The following is an entry in ClinVar:

NM_002522.4(NPTX1):c.1054G>T (p.Val352Leu)

Gene: NPTX1 (neuronal pentraxin 1; minus strand). Cytogenetic location: 17q25.3.
Variant type: single nucleotide variant.
Coding change: c.1054G>T on transcript NM_002522.4 (MANE Select); coding-DNA position 1054, G replaced by T.
Protein change: p.Val352Leu; replaces valine 352 with leucine.
Molecular consequence: missense variant.
Genome position (GRCh38, 1-based): chr17:80,471,755, C>A on the plus strand (G>T on the coding strand, the complement: NPTX1 is on the minus strand). VCF-style: chr17-80471755-C-A. GRCh37 (hg19) VCF-style: chr17-78445555-C-A.
Other names: short protein forms V352L.
Identifiers: ClinVar variation 5025841 (VCV005025841.1).

ClinVar aggregate classification (germline): Uncertain significance (1 of 4 stars; one submission).

Conditions:
Inborn genetic diseases. Identifiers: MedGen C0950123, MeSH D030342.

gnomAD v4.1: 2 of 1,612,874 alleles (0.00012%); highest among the groups gnomAD compares: Non-Finnish European, 0.00017%; no homozygotes.

Submission:

Ambry Genetics
Classification: Uncertain significance for Inborn genetic diseases. Last evaluated: 2026-07-23. Review status: criteria provided, single submitter. Criteria: Ambry Variant Classification Scheme 2023. Collection method: clinical testing. Allele origin: germline.
Comment: The c.1054G>T (p.V352L) alteration is located in exon 4 (coding exon 4) of the NPTX1 gene. This alteration results from a G to T substitution at nucleotide position 1054, causing the valine (V) at amino acid position 352 to be replaced by a leucine (L). Based on data from gnomAD, the T allele has an overall frequency of <0.001% (1/249302) total alleles studied. The highest observed frequency was 0.001% (1/112344) of European (non-Finnish) alleles. Based on insufficient or conflicting evidence, the clinical significance of this alteration remains unclear.